The following is an entry in ClinVar:

ClinVar aggregate classification (germline): Likely benign (0 of 4 stars; one submission).

Conditions:
ACACB-related disorder. Also called: ACACB-related condition.

Allele frequency attached by ClinVar (database versions not stated): gnomAD exomes 0.00006; ExAC 0.00007; ESP Exome Variant Server 0.00008; 1000 Genomes Project 0.00020; TOPMed 0.00022; gnomAD 0.00023; 1000 Genomes Project 30x 0.00031.
gnomAD v4.1: 116 of 1,613,236 alleles (0.0072%); highest among the groups gnomAD compares: East Asian, 0.065%; 1 homozygote.

Submission:

PreventionGenetics, part of Exact Sciences
Classification: Likely benign for ACACB-related condition. Last evaluated: 2019-12-16. Review status: no assertion criteria provided. Collection method: clinical testing. Allele origin: germline.
Comment: This variant is classified as likely benign based on ACMG/AMP sequence variant interpretation guidelines (Richards et al. 2015 PMID: 25741868, with internal and published modifications).

NM_001093.4(ACACB):c.1173C>T (p.Val391=)

Gene: ACACB (acetyl-CoA carboxylase beta; plus strand). Cytogenetic location: 12q24.11.
Variant type: single nucleotide variant.
Coding change: c.1173C>T on transcript NM_001093.4 (MANE Select); coding-DNA position 1173, C replaced by T.
Protein change: p.Val391=; no amino-acid change (valine 391 retained).
Molecular consequence: synonymous variant.
Genome position (GRCh38, 1-based): chr12:109,174,187, C>T. VCF-style: chr12-109174187-C-T. GRCh37 (hg19) VCF-style: chr12-109611992-C-T.
Other names: c.1173C>T, p.Val391= (NM_001412734.1, NM_001412735.1); c.567C>T, p.Val189= (NM_001412736.1, NM_001412738.1, NM_001412739.1 and 2 more transcripts); c.546C>T, p.Val182= (NM_001412737.1).
Identifiers: ClinVar variation 3047977 (VCV003047977.2), dbSNP rs199551411, ClinGen allele CA6773190.